The following is an entry in ClinVar:

ClinVar aggregate classification (germline): Uncertain significance (1 of 4 stars; one submission).

Submission:

GeneDx
Classification: Uncertain significance. Last evaluated: 2022-03-04. Review status: criteria provided, single submitter. Criteria: GeneDx Variant Classification Process June 2021. Collection method: clinical testing. Allele origin: germline. Affected: yes.
Comment: Not observed at significant frequency in large population cohorts (gnomAD); In silico analysis supports that this missense variant has a deleterious effect on protein structure/function; Has not been previously published as pathogenic or benign to our knowledge; This variant is associated with the following publications: (PMID: 15235021, 22850631)

NM_004360.5(CDH1):c.1773C>G (p.Asn591Lys)

Gene: CDH1 (cadherin 1; plus strand). Cytogenetic location: 16q22.1.
Variant type: single nucleotide variant.
Coding change: c.1773C>G on transcript NM_004360.5 (MANE Select); coding-DNA position 1773, C replaced by G.
Protein change: p.Asn591Lys; replaces asparagine 591 with lysine.
Molecular consequence: missense variant. On other transcripts: 5 prime UTR variant (1).
Genome position (GRCh38, 1-based): chr16:68,822,062, C>G. VCF-style: chr16-68822062-C-G. GRCh37 (hg19) VCF-style: chr16-68855965-C-G.
Other names: c.1590C>G, p.Asn530Lys (NM_001317184.2); c.225C>G, p.Asn75Lys (NM_001317185.2); c.-193C>G (NM_001317186.2); short protein forms N530K, N591K, N75K.
Identifiers: ClinVar variation 1704084 (VCV001704084.2), dbSNP rs373719554, ClinGen allele CA396466585.